The following is an entry in ClinVar:

NM_019066.5(MAGEL2):c.670C>A (p.Pro224Thr)

Gene: MAGEL2 (MAGE family member L2; minus strand). Cytogenetic location: 15q11.2.
Variant type: single nucleotide variant.
Coding change: c.670C>A on transcript NM_019066.5 (MANE Select); coding-DNA position 670, C replaced by A.
Protein change: p.Pro224Thr; replaces proline 224 with threonine.
Molecular consequence: missense variant.
Genome position (GRCh38, 1-based): chr15:23,647,073, G>T on the plus strand (C>A on the coding strand, the complement: MAGEL2 is on the minus strand). VCF-style: chr15-23647073-G-T. GRCh37 (hg19) VCF-style: chr15-23892220-G-T.
Other names: short protein forms P224T.
Identifiers: ClinVar variation 1970857 (VCV001970857.5), dbSNP rs756716697, ClinGen allele CA391336757.

ClinVar aggregate classification (germline): Uncertain significance (1 of 4 stars; one submission).

Allele frequency attached by ClinVar (database versions not stated): gnomAD 0.00001.
gnomAD v4.1: 2 of 1,535,254 alleles (0.00013%); highest among the groups gnomAD compares: African/African-American, 0.0014%; no homozygotes.

Submission:

Labcorp Genetics (formerly Invitae), Labcorp
Classification: Uncertain significance. Last evaluated: 2024-10-14. Review status: criteria provided, single submitter. Criteria: Invitae Variant Classification Sherloc (09022015). Collection method: clinical testing. Allele origin: germline.
Comment: This sequence change replaces proline, which is neutral and non-polar, with threonine, which is neutral and polar, at codon 224 of the MAGEL2 protein (p.Pro224Thr). This variant is not present in population databases (gnomAD no frequency). This variant has not been reported in the literature in individuals affected with MAGEL2-related conditions. ClinVar contains an entry for this variant (Variation ID: 1970857). Experimental studies and prediction algorithms are not available or were not evaluated, and the functional significance of this variant is currently unknown. In summary, the available evidence is currently insufficient to determine the role of this variant in disease. Therefore, it has been classified as a Variant of Uncertain Significance.